The following is an entry in ClinVar:

ClinVar aggregate classification (germline): Uncertain significance (1 of 4 stars; one submission).

Submission:

Labcorp Genetics (formerly Invitae), Labcorp
Classification: Uncertain significance. Last evaluated: 2025-06-11. Review status: criteria provided, single submitter. Criteria: Invitae Variant Classification Sherloc (09022015). Collection method: clinical testing. Allele origin: germline.
Comment: This sequence change replaces glycine, which is neutral and non-polar, with arginine, which is basic and polar, at codon 260 of the SLC1A2 protein (p.Gly260Arg). This variant is not present in population databases (gnomAD no frequency). This variant has not been reported in the literature in individuals affected with SLC1A2-related conditions. Invitae Evidence Modeling of protein sequence and biophysical properties (such as structural, functional, and spatial information, amino acid conservation, physicochemical variation, residue mobility, and thermodynamic stability) indicates that this missense variant is not expected to disrupt SLC1A2 protein function with a negative predictive value of 80%. In summary, the available evidence is currently insufficient to determine the role of this variant in disease. Therefore, it has been classified as a Variant of Uncertain Significance.

NM_004171.4(SLC1A2):c.778G>A (p.Gly260Arg)

Gene: SLC1A2 (solute carrier family 1 member 2; minus strand). Cytogenetic location: 11p13.
Variant type: single nucleotide variant.
Coding change: c.778G>A on transcript NM_004171.4 (MANE Select); coding-DNA position 778, G replaced by A.
Protein change: p.Gly260Arg; replaces glycine 260 with arginine.
Molecular consequence: missense variant.
Genome position (GRCh38, 1-based): chr11:35,301,598, C>T on the plus strand (G>A on the coding strand, the complement: SLC1A2 is on the minus strand). VCF-style: chr11-35301598-C-T. GRCh37 (hg19) VCF-style: chr11-35323145-C-T.
Other names: c.751G>A, p.Gly251Arg (NM_001195728.3, NM_001252652.2, NM_001439341.1); c.766G>A, p.Gly256Arg (NM_001439342.1); c.778G>A, p.Gly260Arg (NM_001439343.1); short protein forms G260R, G251R, G256R.
Identifiers: ClinVar variation 4703620 (VCV004703620.1).